The following is an entry in ClinVar:

ClinVar aggregate classification (germline): Uncertain significance (1 of 4 stars; one submission).

Allele frequency attached by ClinVar (database versions not stated): ExAC 0.00001.

Submission:

Labcorp Genetics (formerly Invitae), Labcorp
Classification: Uncertain significance. Last evaluated: 2023-07-17. Review status: criteria provided, single submitter. Criteria: Invitae Variant Classification Sherloc (09022015). Collection method: clinical testing. Allele origin: germline.
Comment: This variant is present in population databases (rs770586327, gnomAD 0.0009%). This sequence change replaces valine, which is neutral and non-polar, with isoleucine, which is neutral and non-polar, at codon 269 of the GUCY2C protein (p.Val269Ile). In summary, the available evidence is currently insufficient to determine the role of this variant in disease. Therefore, it has been classified as a Variant of Uncertain Significance. Advanced modeling of protein sequence and biophysical properties (such as structural, functional, and spatial information, amino acid conservation, physicochemical variation, residue mobility, and thermodynamic stability) performed at Invitae indicates that this missense variant is not expected to disrupt GUCY2C protein function. This variant has not been reported in the literature in individuals affected with GUCY2C-related conditions.

NM_004963.4(GUCY2C):c.805G>A (p.Val269Ile)

Genes: GUCY2C (guanylate cyclase 2C; minus strand), GUCY2C-AS1 (GUCY2C antisense RNA 1; plus strand). Cytogenetic location: 12p12.3.
Variant type: single nucleotide variant.
Coding change: c.805G>A on transcript NM_004963.4 (MANE Select); coding-DNA position 805, G replaced by A.
Protein change: p.Val269Ile; replaces valine 269 with isoleucine.
Molecular consequence: missense variant.
Genome position (GRCh38, 1-based): chr12:14,679,682, C>T on the plus strand (G>A on the coding strand, the complement: GUCY2C is on the minus strand). VCF-style: chr12-14679682-C-T. GRCh37 (hg19) VCF-style: chr12-14832616-C-T.
Other names: short protein forms V269I.
Identifiers: ClinVar variation 2737502 (VCV002737502.3), dbSNP rs770586327, ClinGen allele CA6463651.